The following is an entry in ClinVar:

NM_147127.5(EVC2):c.707-18G>A

Gene: EVC2 (EvC ciliary complex subunit 2; minus strand). Cytogenetic location: 4p16.2.
Variant type: single nucleotide variant.
Coding change: c.707-18G>A on transcript NM_147127.5 (MANE Select); 18 bases into the intron before coding-DNA position 707, G replaced by A.
Molecular consequence: intron variant.
Genome position (GRCh38, 1-based): chr4:5,685,497, C>T on the plus strand (G>A on the coding strand, the complement: EVC2 is on the minus strand). VCF-style: chr4-5685497-C-T. GRCh37 (hg19) VCF-style: chr4-5687224-C-T.
Other names: c.467-18G>A (NM_001166136.2).
Identifiers: ClinVar variation 516300 (VCV000516300.10), dbSNP rs144093697, ClinGen allele CA2835332.

ClinVar aggregate classification (germline): Likely benign. Review status: criteria provided, multiple submitters, no conflicts (2 of 4 stars). 3 submissions from 3 submitters: Likely benign (3). Last evaluated 2026-01-27.

Conditions:
Ellis-van Creveld syndrome (EVC). Also called: Chondroectodermal dysplasia; MESOECTODERMAL DYSPLASIA. Identifiers: Orphanet 289, MedGen C0013903, MONDO:0009162, OMIM 225500.
Curry-Hall syndrome (WAD). Also called: WEYERS ACRODENTAL DYSOSTOSIS. Identifiers: Orphanet 952, MedGen C0457013, MONDO:0008673, OMIM 193530.

Allele frequency attached by ClinVar (database versions not stated): 1000 Genomes Project 0.00060; gnomAD exomes 0.00061 and 0.00099; ExAC 0.00070; gnomAD 0.00097; TOPMed 0.00102; ESP Exome Variant Server 0.00108.
gnomAD v4.1: 1,577 of 1,611,604 alleles (0.098%); highest among the groups gnomAD compares: African/African-American, 0.16%; 2 homozygotes.

Submissions (3):

Labcorp Genetics (formerly Invitae), Labcorp
Classification: Likely benign for Curry-Hall syndrome; Ellis-van Creveld syndrome. Last evaluated: 2026-01-27. Review status: criteria provided, single submitter. Criteria: Invitae Variant Classification Sherloc (09022015). Collection method: clinical testing. Allele origin: germline.

Blueprint Genetics
Classification: Likely benign. Last evaluated: 2024-10-21. Review status: criteria provided, single submitter. Criteria: ACMG Guidelines, 2015. Collection method: clinical testing. Allele origin: germline.

GeneDx
Classification: Likely benign. Last evaluated: 2017-04-28. Review status: criteria provided, single submitter. Criteria: GeneDx Variant Classification (06012015). Collection method: clinical testing. Allele origin: germline. Affected: yes.
Comment: This variant is considered likely benign or benign based on one or more of the following criteria: it is a conservative change, it occurs at a poorly conserved position in the protein, it is predicted to be benign by multiple in silico algorithms, and/or has population frequency not consistent with disease.